The following is an entry in ClinVar:

ClinVar aggregate classification (germline): Uncertain significance (1 of 4 stars; one submission).

Submission:

GeneDx
Classification: Uncertain significance. Last evaluated: 2026-02-17. Review status: criteria provided, single submitter. Criteria: GeneDx Variant Classification Process June 2021. Collection method: clinical testing. Allele origin: germline.
Comment: Not observed at significant frequency in large population cohorts (gnomAD); In silico analysis suggests that this missense variant does not alter protein structure/function; Has not been previously published as pathogenic or benign to our knowledge

NM_016111.4(TELO2):c.127G>A (p.Glu43Lys)

Gene: TELO2 (telomere maintenance 2; plus strand). Cytogenetic location: 16p13.3.
Variant type: single nucleotide variant.
Coding change: c.127G>A on transcript NM_016111.4 (MANE Select); coding-DNA position 127, G replaced by A.
Protein change: p.Glu43Lys; replaces glutamic acid 43 with lysine.
Molecular consequence: missense variant.
Genome position (GRCh38, 1-based): chr16:1,494,408, G>A. VCF-style: chr16-1494408-G-A. GRCh37 (hg19) VCF-style: chr16-1544409-G-A.
Other names: c.127G>A, p.Glu43Lys (NM_001351846.2); short protein forms E43K.
Identifiers: ClinVar variation 5009566 (VCV005009566.1).
Genomic context (GRCh38, chr16:1,494,408, plus strand): 5'-GAGGATGGCGGCCACATCTTCTGCACCCTGGAGTCCCTGAAGCGGTATCTCGGTGAGATG[G>A]AGCCTCCAGCGCTCCCGAGGGAGAAGGAGGAGTTTGCCTCGGCCCACTTCTCGCCTGTCC-3'
Protein context (NP_057195.2, residues 33-53): ESLKRYLGEM[Glu43Lys]PPALPREKEE